The following is an entry in ClinVar:

ClinVar aggregate classification (germline): Conflicting classifications of pathogenicity. Review status: criteria provided, conflicting classifications (1 of 4 stars). 6 submissions from 5 submitters: Uncertain significance (2); Likely benign (3). 1 of the submissions does not count toward it. Last evaluated 2026-01-19.

Conditions:
CDH23-related disorder. Also called: CDH23-related disorders; CDH23-related condition.
Autosomal recessive nonsyndromic hearing loss 12. Also called: DEAFNESS, AUTOSOMAL RECESSIVE 12. Identifiers: Orphanet 90636, MedGen C1832394, MONDO:0011067, OMIM 601386.
Usher syndrome type 1D (USH1D). Also called: USHER SYNDROME, TYPE ID. Identifiers: Orphanet 231169, Orphanet 886, MedGen C1832845, MONDO:0010984, OMIM 601067.

Allele frequency attached by ClinVar (database versions not stated): gnomAD exomes 0.00005 and 0.00006; ExAC 0.00006; gnomAD 0.00007 and 0.00008; TOPMed 0.00009.
gnomAD v4.1: 80 of 1,613,720 alleles (0.005%); highest among the groups gnomAD compares: Middle Eastern, 0.082%; no homozygotes.

Submissions (6):

Labcorp Genetics (formerly Invitae), Labcorp
Classification: Likely benign. Last evaluated: 2026-01-19. Review status: criteria provided, single submitter. Criteria: Invitae Variant Classification Sherloc (09022015). Collection method: clinical testing. Allele origin: germline.

Blueprint Genetics
Classification: Likely benign. Last evaluated: 2024-08-11. Review status: criteria provided, single submitter. Criteria: ACMG Guidelines, 2015. Collection method: clinical testing. Allele origin: germline.

Illumina Laboratory Services, Illumina
Classification: Uncertain significance for Usher syndrome type 1D. Last evaluated: 2018-01-13. Review status: criteria provided, single submitter. Criteria: ICSL Variant Classification Criteria 13 December 2019. Collection method: clinical testing. Allele origin: germline.

Illumina Laboratory Services, Illumina
Classification: Uncertain significance for Autosomal recessive nonsyndromic hearing loss 12. Last evaluated: 2018-01-13. Review status: criteria provided, single submitter. Criteria: ICSL Variant Classification Criteria 13 December 2019. Collection method: clinical testing. Allele origin: germline.

Laboratory for Molecular Medicine, Mass General Brigham Personalized Medicine
Classification: Likely benign. Last evaluated: 2014-05-30. Review status: criteria provided, single submitter. Criteria: LMM Criteria. Collection method: clinical testing. Allele origin: germline. Observed: 1 variant allele.
Comment: Leu286Leu in exon 10 of CDH23: This variant is not expected to have clinical sig nificance because it does not alter an amino acid residue, and it is not located within the splice consensus sequence.

PreventionGenetics, part of Exact Sciences
Classification: Likely benign for CDH23-related condition. Last evaluated: 2019-05-01. Review status: no assertion criteria provided. Collection method: clinical testing. Allele origin: germline. Not counted in ClinVar's aggregate classification.
Comment: This variant is classified as likely benign based on ACMG/AMP sequence variant interpretation guidelines (Richards et al. 2015 PMID: 25741868, with internal and published modifications).

NM_022124.6(CDH23):c.856C>T (p.Leu286=)

Gene: CDH23 (cadherin related 23; plus strand). Cytogenetic location: 10q22.1.
Variant type: single nucleotide variant.
Coding change: c.856C>T on transcript NM_022124.6 (MANE Select); coding-DNA position 856, C replaced by T.
Protein change: p.Leu286=; no amino-acid change (leucine 286 retained).
Molecular consequence: synonymous variant.
Genome position (GRCh38, 1-based): chr10:71,615,527, C>T. VCF-style: chr10-71615527-C-T. GRCh37 (hg19) VCF-style: chr10-73375284-C-T.
Other names: c.856C>T, p.Leu286= (NM_001171930.2, NM_001171931.2, NM_001171932.2 and 1 more transcripts).
Identifiers: ClinVar variation 162875 (VCV000162875.21), dbSNP rs727502918, ClinGen allele CA175459.